The following is an entry in ClinVar:

NM_001080.3(ALDH5A1):c.566_567insTTGCCCT (p.Val190fs)

Gene: ALDH5A1 (aldehyde dehydrogenase 5 family member A1; plus strand). Cytogenetic location: 6p22.3.
Variant type: Insertion.
Coding change: c.566_567insTTGCCCT on transcript NM_001080.3 (MANE Select); coding-DNA positions 566 to 567, TTGCCCT inserted.
Protein change: p.Val190fs; shifts the reading frame from valine 190.
Molecular consequence: frameshift variant.
Genome position: GRCh38 VCF-style: chr6-24503385-G-GGCCCTTT. GRCh37 (hg19) VCF-style: chr6-24503613-G-GGCCCTTT.
Other names: c.566_567insTTGCCCT, p.Val190fs (NM_001368954.1, NM_170740.1); short protein forms V190fs.
Identifiers: ClinVar variation 663114 (VCV000663114.10), dbSNP rs755029414, ClinGen allele CA3656654.

ClinVar aggregate classification (germline): Pathogenic. Review status: criteria provided, multiple submitters, no conflicts (2 of 4 stars). 3 submissions from 3 submitters: Pathogenic (3). Last evaluated 2026-04-27.

Conditions:
Succinate-semialdehyde dehydrogenase deficiency (SSADHD). Also called: GABA METABOLIC DEFECT; 4-HYDROXYBUTYRIC ACIDURIA; Succinic Semialdehyde Dehydrogenase Deficiency; SSADH DEFICIENCY. Identifiers: Orphanet 22, MedGen C0268631, MONDO:0010083, OMIM 271980.
ALDH5A1-related disorder. Also called: ALDH5A1-related condition.

Submissions (3):

PreventionGenetics, part of Exact Sciences
Classification: Pathogenic for ALDH5A1-related condition. Last evaluated: 2026-04-27. Review status: criteria provided, single submitter. Criteria: ACMG Guidelines, 2015. Collection method: clinical testing. Allele origin: germline.
Comment: The ALDH5A1 c.566_567insTTGCCCT variant is predicted to result in a frameshift and premature protein termination (p.Val190Cysfs*55). This variant has been reported heterozygous in a cohort of individuals with epilepsy (Suppl. Table 2, Truty et al. 2019. PubMed ID: 31440721). This variant is reported in 0.0062% of alleles in individuals of African descent in gnomAD. Frameshift variants in ALDH5A1 are expected to be pathogenic. This variant is interpreted as pathogenic.

Labcorp Genetics (formerly Invitae), Labcorp
Classification: Pathogenic for Succinate-semialdehyde dehydrogenase deficiency. Last evaluated: 2025-03-17. Review status: criteria provided, single submitter. Criteria: Invitae Variant Classification Sherloc (09022015). Collection method: clinical testing. Allele origin: germline.
Comment: This sequence change creates a premature translational stop signal (p.Val190Cysfs*55) in the ALDH5A1 gene. It is expected to result in an absent or disrupted protein product. Loss-of-function variants in ALDH5A1 are known to be pathogenic (PMID: 14635103). This variant is present in population databases (rs755029414, gnomAD 0.007%). This variant has not been reported in the literature in individuals affected with ALDH5A1-related conditions. ClinVar contains an entry for this variant (Variation ID: 663114). For these reasons, this variant has been classified as Pathogenic.

GeneDx
Classification: Pathogenic. Last evaluated: 2022-10-31. Review status: criteria provided, single submitter. Criteria: GeneDx Variant Classification Process June 2021. Collection method: clinical testing. Allele origin: germline. Affected: yes.
Comment: Identified in the heterozygous state in one individual from a cohort of patients clinically diagnosed with various forms of epilepsy, but familial segregation information and additional clinical information were not included (Truty et al., 2019); Frameshift variant predicted to result in protein truncation or nonsense mediated decay in a gene for which loss-of-function is a known mechanism of disease; Not observed at significant frequency in large population cohorts (gnomAD); This variant is associated with the following publications: (PMID: 31440721)

Literature cited by the submitters: PubMed 14635103 (cited by Labcorp Genetics (formerly Invitae), Labcorp).